The following is an entry in ClinVar:

NM_002471.4(MYH6):c.4769G>A (p.Arg1590His)

Genes: MYH6 (myosin heavy chain 6; minus strand), LOC126861896 (BRD4-independent group 4 enhancer GRCh37_chr14:23854904-23856103; plus strand). Cytogenetic location: 14q11.2.
Variant type: single nucleotide variant.
Coding change: c.4769G>A on transcript NM_002471.4 (MANE Select); coding-DNA position 4769, G replaced by A.
Protein change: p.Arg1590His; replaces arginine 1590 with histidine.
Molecular consequence: missense variant.
Genome position (GRCh38, 1-based): chr14:23,386,505, C>T on the plus strand (G>A on the coding strand, the complement: MYH6 is on the minus strand). VCF-style: chr14-23386505-C-T. GRCh37 (hg19) VCF-style: chr14-23855714-C-T.
Other names: short protein forms R1590H.
Identifiers: ClinVar variation 650808 (VCV000650808.26), dbSNP rs377473560, ClinGen allele CA7114642.

ClinVar aggregate classification (germline): Uncertain significance. Review status: criteria provided, multiple submitters, no conflicts (2 of 4 stars). 4 submissions from 4 submitters: Uncertain significance (4). Last evaluated 2024-10-31.

Conditions:
Sick sinus syndrome 3, susceptibility to (SSS3). Identifiers: Orphanet 166282, MedGen C3279791, MONDO:0013568, OMIM 614090.
Dilated cardiomyopathy 1EE (CMD1EE). Identifiers: Orphanet 154, MedGen C2750466, MONDO:0013198, OMIM 613252.
Hypertrophic cardiomyopathy 14. Identifiers: MedGen C2750467, MONDO:0013197, OMIM 613251.
Atrial septal defect 3 (ASD3). Identifiers: Orphanet 1478, MedGen C3279790, MONDO:0013567, OMIM 614089.
Cardiovascular phenotype. Identifiers: MedGen CN230736.

Allele frequency attached by ClinVar (database versions not stated): gnomAD 0.00001 and 0.00002; gnomAD exomes 0.00001 and 0.00003; TOPMed 0.00001; ExAC 0.00002; ESP Exome Variant Server 0.00008.

Submissions (4):

Ambry Genetics
Classification: Uncertain significance for Cardiovascular phenotype. Last evaluated: 2024-10-31. Review status: criteria provided, single submitter. Criteria: Ambry Variant Classification Scheme 2023. Collection method: clinical testing. Allele origin: germline.
Comment: The p.R1590H variant (also known as c.4769G>A), located in coding exon 31 of the MYH6 gene, results from a G to A substitution at nucleotide position 4769. The arginine at codon 1590 is replaced by histidine, an amino acid with highly similar properties. This variant has been reported in a hypertrophic cardiomyopathy (HCM) cohort (Chung H et al. J Cardiovasc Magn Reson, 2021 Mar;23:18). This amino acid position is highly conserved in available vertebrate species. In addition, this alteration is predicted to be deleterious by in silico analysis. Based on the available evidence, the clinical significance of this variant remains unclear.

CeGaT Center for Human Genetics Tuebingen
Classification: Uncertain significance. Last evaluated: 2024-09-01. Review status: criteria provided, single submitter. Criteria: CeGaT Center For Human Genetics Tuebingen Variant Classification Criteria Version 2. Collection method: clinical testing. Allele origin: germline. Affected: yes. Observed: 1 variant allele.

Fulgent Genetics
Classification: Uncertain significance for Hypertrophic cardiomyopathy 14; Dilated cardiomyopathy 1EE; Atrial septal defect 3; Sick sinus syndrome 3, susceptibility to. Last evaluated: 2024-06-12. Review status: criteria provided, single submitter. Criteria: ACMG Guidelines, 2015. Collection method: clinical testing. Allele origin: germline.

Labcorp Genetics (formerly Invitae), Labcorp
Classification: Uncertain significance for Hypertrophic cardiomyopathy 14. Last evaluated: 2023-07-30. Review status: criteria provided, single submitter. Criteria: Invitae Variant Classification Sherloc (09022015). Collection method: clinical testing. Allele origin: germline.
Comment: This missense change has been observed in individual(s) with hypertrophic cardiomyopathy (PMID: 33658040). In summary, the available evidence is currently insufficient to determine the role of this variant in disease. Therefore, it has been classified as a Variant of Uncertain Significance. Advanced modeling of protein sequence and biophysical properties (such as structural, functional, and spatial information, amino acid conservation, physicochemical variation, residue mobility, and thermodynamic stability) performed at Invitae indicates that this missense variant is expected to disrupt MYH6 protein function. ClinVar contains an entry for this variant (Variation ID: 650808). This variant is present in population databases (rs377473560, gnomAD 0.005%). This sequence change replaces arginine, which is basic and polar, with histidine, which is basic and polar, at codon 1590 of the MYH6 protein (p.Arg1590His).

Literature cited by the submitters: PubMed 33658040 (cited by Ambry Genetics and Labcorp Genetics (formerly Invitae), Labcorp).